The following is an entry in ClinVar:

ClinVar aggregate classification (germline): Likely pathogenic (1 of 4 stars; one submission).

Conditions:
Mucopolysaccharidosis, MPS-IV-A (MPS4A). Also called: Mucopolysaccharidosis type IV A; Mucopolysaccharidosis Type IVA; Morquio syndrome A, mild; MORQUIO SYNDROME A; GALACTOSAMINE-6-SULFATASE DEFICIENCY; GALNS DEFICIENCY. Identifiers: Orphanet 309297, Orphanet 582, MedGen C0086651, MONDO:0009659, OMIM 253000.

Submission:

Mahmoud Shekari Research Group, Tabriz University of Medical Sciences
Classification: Likely pathogenic for Mucopolysaccharidosis, MPS-IV-A. Last evaluated: 2026-06-06. Review status: criteria provided, single submitter. Criteria: ACMG Guidelines, 2015. Collection method: clinical testing. Allele origin: germline. Affected: yes. Observed: 1 variant allele, 1 homozygote.
Comment: The PP1 was added to the existing criteria, including PM2, PP2, and PP3.

NM_000512.5(GALNS):c.1265A>G (p.Gln422Arg)

Gene: GALNS (galactosamine (N-acetyl)-6-sulfatase; minus strand). Cytogenetic location: 16q24.3.
Variant type: single nucleotide variant.
Coding change: c.1265A>G on transcript NM_000512.5 (MANE Select); coding-DNA position 1265, A replaced by G.
Protein change: p.Gln422Arg; replaces glutamine 422 with arginine.
Molecular consequence: missense variant.
Genome position (GRCh38, 1-based): chr16:88,822,688, T>C on the plus strand (A>G on the coding strand, the complement: GALNS is on the minus strand). VCF-style: chr16-88822688-T-C. GRCh37 (hg19) VCF-style: chr16-88889096-T-C.
Other names: c.710A>G, p.Gln237Arg (NM_001323543.2); c.1283A>G, p.Gln428Arg (NM_001323544.2); short protein forms Q237R, Q422R, Q428R.
Identifiers: ClinVar variation 4852833 (VCV004852833.1).